The following is an entry in ClinVar:

ClinVar aggregate classification (germline): Likely pathogenic (1 of 4 stars; one submission).

Conditions:
Retinitis pigmentosa 26 (RP26). Identifiers: Orphanet 791, MedGen C1842127, MONDO:0012024, OMIM 608380.

Submission:

Juno Genomics, Hangzhou Juno Genomics, Inc
Classification: Likely pathogenic for Retinitis pigmentosa 26. Review status: criteria provided, single submitter. Criteria: ACMG Guidelines, 2015. Collection method: clinical testing. Allele origin: germline. Affected: yes.
Comment: Absent from controls (or at extremely low frequency if recessive) in Genome Aggregation Database, Exome Sequencing Project, 1000 Genomes Project, or Exome Aggregation Consortium.;Null variant in a gene where loss of function (LOF) is a known mechanism of disease.

NM_201548.5(CERKL):c.145_146insA (p.Arg49fs)

Gene: CERKL (CERK like autophagy regulator; minus strand). Cytogenetic location: 2q31.3.
Variant type: Insertion.
Coding change: c.145_146insA on transcript NM_201548.5 (MANE Select); coding-DNA positions 145 to 146, A inserted.
Protein change: p.Arg49fs; shifts the reading frame from arginine 49.
Molecular consequence: frameshift variant. On other transcripts: non-coding transcript variant (2).
Genome position: GRCh38 VCF-style: chr2-181656861-C-CT. GRCh37 (hg19) VCF-style: chr2-182521588-C-CT.
Other names: c.145_146insA, p.Arg49fs (NM_001030311.3, NM_001030312.3, NM_001030313.3 and 1 more transcripts); short protein forms R49fs.
Identifiers: ClinVar variation 3382502 (VCV003382502.2).